The following is an entry in ClinVar:

ClinVar aggregate classification (germline): Uncertain significance (1 of 4 stars; one submission).

Conditions:
Nephronophthisis. Also called: Juvenile Nephronophthisis. Identifiers: Orphanet 655, MedGen C0687120, MONDO:0019005, HP:0000090.

Allele frequency attached by ClinVar (database versions not stated): gnomAD exomes below 0.00001.
gnomAD v4.1: 3 of 1,613,492 alleles (0.00019%); highest among the groups gnomAD compares: African/African-American, 0.0027%; no homozygotes.

Submission:

Labcorp Genetics (formerly Invitae), Labcorp
Classification: Uncertain significance for Nephronophthisis. Last evaluated: 2022-06-14. Review status: criteria provided, single submitter. Criteria: Invitae Variant Classification Sherloc (09022015). Collection method: clinical testing. Allele origin: germline.
Comment: This sequence change falls in intron 8 of the NPHP4 gene. It does not directly change the encoded amino acid sequence of the NPHP4 protein. It affects a nucleotide within the consensus splice site. This variant is not present in population databases (gnomAD no frequency). This variant has not been reported in the literature in individuals affected with NPHP4-related conditions. Variants that disrupt the consensus splice site are a relatively common cause of aberrant splicing (PMID: 17576681, 9536098). Algorithms developed to predict the effect of sequence changes on RNA splicing suggest that this variant may create or strengthen a splice site. In summary, the available evidence is currently insufficient to determine the role of this variant in disease. Therefore, it has been classified as a Variant of Uncertain Significance.

Literature cited by the submitters: PubMed 17576681; PubMed 9536098.

NM_015102.5(NPHP4):c.993-3C>G

Gene: NPHP4 (nephrocystin 4; minus strand). Cytogenetic location: 1p36.31.
Variant type: single nucleotide variant.
Coding change: c.993-3C>G on transcript NM_015102.5 (MANE Select); 3 bases into the intron before coding-DNA position 993, C replaced by G.
Molecular consequence: intron variant.
Genome position (GRCh38, 1-based): chr1:5,947,233, G>C on the plus strand (C>G on the coding strand, the complement: NPHP4 is on the minus strand). VCF-style: chr1-5947233-G-C. GRCh37 (hg19) VCF-style: chr1-6007293-G-C.
Other names: c.-374-3C>G (NM_001291594.2, NM_001291593.2).
Identifiers: ClinVar variation 2158631 (VCV002158631.1), dbSNP rs200643924, ClinGen allele CA17155678.